The following is an entry in ClinVar:

ClinVar aggregate classification (germline): Uncertain significance (1 of 4 stars; one submission).

Conditions:
SCAPER-related disorder. Also called: SCAPER-related condition.

gnomAD v4.1: 5 of 1,613,532 alleles (0.00031%); highest among the groups gnomAD compares: Non-Finnish European, 0.00042%; no homozygotes.

Submission:

PreventionGenetics, part of Exact Sciences
Classification: Uncertain significance for SCAPER-related condition. Last evaluated: 2024-11-27. Review status: criteria provided, single submitter. Criteria: ACMG Guidelines, 2015. Collection method: clinical testing. Allele origin: germline.
Comment: The SCAPER c.1930C>T variant is predicted to result in the amino acid substitution p.Arg644Cys. To our knowledge, this variant has not been reported in the literature. This variant is reported in 0.0027% of alleles in individuals of European (Non-Finnish) descent in gnomAD. At this time, the clinical significance of this variant is uncertain due to the absence of conclusive functional and genetic evidence.

NM_020843.4(SCAPER):c.1912C>T (p.Arg638Cys)

Gene: SCAPER (S-phase cyclin A associated protein in the ER; minus strand). Cytogenetic location: 15q24.3.
Variant type: single nucleotide variant.
Coding change: c.1912C>T on transcript NM_020843.4 (MANE Select); coding-DNA position 1912, C replaced by T.
Protein change: p.Arg638Cys; replaces arginine 638 with cysteine.
Molecular consequence: missense variant. On other transcripts: non-coding transcript variant (1).
Genome position (GRCh38, 1-based): chr15:76,733,339, G>A on the plus strand (C>T on the coding strand, the complement: SCAPER is on the minus strand). VCF-style: chr15-76733339-G-A. GRCh37 (hg19) VCF-style: chr15-77025680-G-A.
Other names: c.1174C>T, p.Arg392Cys (NM_001145923.2); c.1930C>T, p.Arg644Cys (NM_001353009.2); c.1510C>T, p.Arg504Cys (NM_001353010.2, NM_001353012.2); c.1528C>T, p.Arg510Cys (NM_001353011.2); short protein forms R638C, R504C, R510C, R392C, R644C.
Identifiers: ClinVar variation 5000072 (VCV005000072.1).
Genomic context (GRCh38, chr15:76,733,339, plus strand): 5'-CTTCCTGTAGCTCATTAAGCCTCTGTTCATATTCCTTCAATTTTGATAAAACATCATGAC[G>A]TTTATTCTGGGCTTCAAGGGTATTTATAAAGGCAATTTCATTTACCTTTAAAAAAACAAA-3'
Protein context (NP_065894.2, residues 628-648): FINTLEAQNK[Arg638Cys]HDVLSKLKEY